The following is an entry in ClinVar:

ClinVar aggregate classification (germline): not provided. Review status: no classification provided (0 of 4 stars). 4 submissions from 1 submitter: not provided (4).

Conditions:
Small for gestational age. Also called: Low birth weight. Identifiers: MedGen C0235991, HP:0001518.
Normal pregnancy. Identifiers: MedGen C0232989.
Gestational diabetes mellitus uncontrolled. Identifiers: MedGen C3532257.
Preeclampsia. Identifiers: Orphanet 275555, MedGen C0032914, MONDO:0005081, HP:0100602.

Submissions (4):

Institute of Molecular and Cell Biology, University of Tartu
No classification provided. Condition: Normal pregnancy. Review status: no classification provided. Collection method: case-control. Allele origin: unknown. Affected: yes. Study: Kasak2014.
Comment: The study aimed to determine the contribution of copy number variants in the genetic etiology of normal and complicated pregnancies. The samples represented (i) maternal blood DNA drawn from healthy pregnant women during 1st or 2nd trimester and (ii) maternal and paternal blood DNA drawn at term pregnancy cases representing normal and complicated gestations (severe preeclampsia, PE; gestational diabetes, GD; small-for-gestational age newborn, SGA; large-for-gestational age newborn, LGA). We performed CNV calling based on genome-wide genotyping dataset (Illumina HumanOmniExpress-24-v1 BeadChip) by applying three algorithms, QuantiSNP, GADA (Genome Alteration Detection Algorithm) and CNstream in parallel. The acquired CNV calls were merged with HD-CNV (Hotspot Detector for Copy Number Variants) program and only the CNVs predicted by at least two programs, were considered in subsequent analysis.

Institute of Molecular and Cell Biology, University of Tartu
No classification provided. Condition: Small for gestational age. Review status: no classification provided. Collection method: case-control. Allele origin: unknown. Affected: yes. Study: Kasak2014.
Comment: the same text as in the submission from Institute of Molecular and Cell Biology, University of Tartu above.

Institute of Molecular and Cell Biology, University of Tartu
No classification provided. Condition: Preeclampsia. Review status: no classification provided. Collection method: case-control. Allele origin: unknown. Affected: yes. Study: Kasak2014.
Comment: the same text as in the submission from Institute of Molecular and Cell Biology, University of Tartu above.

Institute of Molecular and Cell Biology, University of Tartu
No classification provided. Condition: Gestational diabetes mellitus uncontrolled. Review status: no classification provided. Collection method: case-control. Allele origin: unknown. Affected: yes. Study: Kasak2014.
Comment: the same text as in the submission from Institute of Molecular and Cell Biology, University of Tartu above.

Literature cited by the submitters: PubMed 25666259.

Single allele

Gene: MGAM (maltase-glucoamylase; plus strand). Cytogenetic location: 7q34.
Variant type: Deletion.
Identifiers: ClinVar variation 157072 (VCV000157072.2).